The following is an entry in ClinVar:

NM_002693.3(POLG):c.2440G>A (p.Val814Met)

Gene: POLG (DNA polymerase gamma, catalytic subunit; minus strand). Cytogenetic location: 15q26.1.
Variant type: single nucleotide variant.
Coding change: c.2440G>A on transcript NM_002693.3 (MANE Select); coding-DNA position 2440, G replaced by A.
Protein change: p.Val814Met; replaces valine 814 with methionine.
Molecular consequence: missense variant.
Genome position (GRCh38, 1-based): chr15:89,322,002, C>T on the plus strand (G>A on the coding strand, the complement: POLG is on the minus strand). VCF-style: chr15-89322002-C-T. GRCh37 (hg19) VCF-style: chr15-89865233-C-T.
Other names: c.2440G>A, p.Val814Met (NM_001126131.2); short protein forms V814M.
Identifiers: ClinVar variation 2577376 (VCV002577376.2), dbSNP rs549564927, ClinGen allele CA7724476.
Genomic context (GRCh38, chr15:89,322,002, plus strand): 5'-AACCACTCAGCAGACCATACCTGATCACAGCACGGGGCAGAGCTGACCTGGGCAGCCACA[C>T]CACCATCTGGGAGCTGTGGGGACAGACAACGTGAGGCTCAGCACAGCCATGGGAAGCAGA-3'
Protein context (NP_002684.1, residues 804-824): AHKRISSQMV[Val814Met]WLPRSALPRA

ClinVar aggregate classification (germline): Uncertain significance. Review status: criteria provided, multiple submitters, no conflicts (2 of 4 stars). 2 submissions from 2 submitters: Uncertain significance (2). Last evaluated 2026-03-17.

Conditions:
POLG-related disorder. Also called: POLG-related condition; POLG-Related Disorders; POLG-Related Spectrum Disorders. Identifiers: MedGen C4763519.

Allele frequency attached by ClinVar (database versions not stated): TOPMed below 0.00001; ExAC 0.00001; gnomAD 0.00001; gnomAD exomes 0.00001; 1000 Genomes Project 30x 0.00016; 1000 Genomes Project 0.00020.
gnomAD v4.1: 5 of 1,614,132 alleles (0.00031%); highest among the groups gnomAD compares: African/African-American, 0.0013%; no homozygotes.

Submissions (2):

Myriad Genetics, Inc.
Classification: Uncertain significance for POLG-related disorder. Last evaluated: 2026-03-17. Review status: criteria provided, single submitter. Criteria: Myriad Autosomal Dominant, Autosomal Recessive and X-Linked Classification Criteria (2023). Collection method: clinical testing. Allele origin: unknown.
Comment: NM_002693.2(POLG):c.2440G>A(V814M) is a missense variant classified as a variant of uncertain significance in the context of POLG-related disorders. V814M has been observed in a case with relevant disease (PMID: 31521625). Relevant functional assessments of this variant are not available in the literature. V814M has been observed in referenced population frequency databases. In summary, there is insufficient evidence to classify NM_002693.2(POLG):c.2440G>A(V814M) as pathogenic or benign. Please note: this variant was assessed in the context of healthy population screening.

Women's Health and Genetics/Laboratory Corporation of America, LabCorp
Classification: Uncertain significance. Last evaluated: 2023-07-19. Review status: criteria provided, single submitter. Criteria: LabCorp Variant Classification Summary - May 2015. Collection method: clinical testing. Allele origin: germline.
Comment: Variant summary: POLG c.2440G>A (p.Val814Met) results in a conservative amino acid change located in the palm domain (IPR047580) of the encoded protein sequence. Four of five in-silico tools predict a damaging effect of the variant on protein function. The variant allele was found at a frequency of 4e-06 in 251452 control chromosomes (gnomAD). The available data on variant occurrences in the general population are insufficient to allow any conclusion about variant significance. c.2440G>A has been reported in the literature in at least one compound heterozygous individual affected with features of Mitochondrial DNA Depletion Syndrome, including ophthalmoplegia, ptosis, dysphagia, and sensorineural hearing loss (e.g., Heighton_2019). These data do not allow any conclusion about variant significance. To our knowledge, no experimental evidence demonstrating an impact on protein function has been reported. The following publication was ascertained in the context of this evaluation (PMID: 31521625). No submitters have reported clinical-significance assessments for this variant to ClinVar after 2014. Based on the evidence outlined above, the variant was classified as uncertain significance.

Literature cited by the submitters: PubMed 31521625 (cited by Myriad Genetics, Inc. and Women's Health and Genetics/Laboratory Corporation of America, LabCorp).